The following is an entry in ClinVar:

ClinVar aggregate classification (germline): Pathogenic. Review status: criteria provided, single submitter (1 of 4 stars). 2 submissions from 1 submitter: Pathogenic (2). Last evaluated 2022-09-06.

Conditions:
FG syndrome (FGS). Identifiers: MedGen C0220769, MONDO:0002010.
FG syndrome 1 (OKS). Also called: FG Syndrome Type 1 (FGS1); OPITZ-KAVEGGIA SYNDROME; KELLER SYNDROME; MENTAL RETARDATION, LARGE HEAD, IMPERFORATE ANUS, CONGENITAL HYPOTONIA, AND PARTIAL AGENESIS OF CORPUS CALLOSUM. Identifiers: Orphanet 93932, MedGen C5399762, MONDO:0010590, OMIM 305450.

Submissions (2):

Labcorp Genetics (formerly Invitae), Labcorp
Classification: Pathogenic for FG syndrome. Last evaluated: 2022-09-06. Review status: criteria provided, single submitter. Criteria: Invitae Variant Classification Sherloc (09022015). Collection method: clinical testing. Allele origin: germline.
Comment: A gross deletion of the genomic region encompassing the full coding sequence of the MED12 gene has been identified. Loss-of-function variants in MED12 are known to be pathogenic (PMID: 33244165, 33244166). The boundaries of this event are unknown as they extend beyond the assayed region for this gene and therefore may encompass additional genes. This variant has not been reported in the literature in individuals affected with MED12-related conditions. For these reasons, this variant has been classified as Pathogenic.

Labcorp Genetics (formerly Invitae), Labcorp
Classification: Pathogenic for FG syndrome. Last evaluated: 2022-09-06. Review status: criteria provided, single submitter. Criteria: Invitae Variant Classification Sherloc (09022015). Collection method: clinical testing. Allele origin: unknown.
Comment: For these reasons, this variant has been classified as Pathogenic. This variant has not been reported in the literature in individuals affected with MED12-related conditions. A gross deletion of the genomic region encompassing the full coding sequence of the MED12 gene has been identified. Loss-of-function variants in MED12 are known to be pathogenic (PMID: 33244165, 33244166). The boundaries of this event are unknown as they extend beyond the assayed region for this gene and therefore may encompass additional genes.

Literature cited by the submitters: PubMed 33244165; PubMed 33244166.

NC_000023.10:g.(?_70337406)_(70363304_?)del

Gene: MED12 (mediator complex subunit 12; plus strand). Cytogenetic location: Xq13.1.
Variant type: Deletion.
Identifiers: ClinVar variation 2425298 (VCV002425298.6).